The following is an entry in ClinVar:

NM_000082.4(ERCC8):c.797A>G (p.Asp266Gly)

Gene: ERCC8 (ERCC excision repair 8, CSA ubiquitin ligase complex subunit; minus strand). Cytogenetic location: 5q12.1.
Variant type: single nucleotide variant.
Coding change: c.797A>G on transcript NM_000082.4 (MANE Select); coding-DNA position 797, A replaced by G.
Protein change: p.Asp266Gly; replaces aspartic acid 266 with glycine.
Molecular consequence: missense variant.
Genome position (GRCh38, 1-based): chr5:60,898,322, T>C on the plus strand (A>G on the coding strand, the complement: ERCC8 is on the minus strand). VCF-style: chr5-60898322-T-C. GRCh37 (hg19) VCF-style: chr5-60194149-T-C.
Other names: c.623A>G, p.Asp208Gly (NM_001007233.3); c.338A>G, p.Asp113Gly (NM_001290285.2); short protein forms D266G, D113G, D208G.
Identifiers: ClinVar variation 68756 (VCV000068756.8), dbSNP rs281875225, ClinGen allele CA219860.

ClinVar aggregate classification (germline): Pathogenic/Likely pathogenic. Review status: criteria provided, multiple submitters, no conflicts (2 of 4 stars). 6 submissions from 6 submitters: Pathogenic (1); Likely pathogenic (2). 3 of the submissions do not count toward it. Last evaluated 2025-02-11.

Conditions:
UV-sensitive syndrome 2 (UVSS2). Identifiers: Orphanet 178338, MedGen C3553298, MONDO:0013829, OMIM 614621.
Cockayne syndrome type 1. Also called: Cockayne syndrome type I; Cockayne syndrome classical; Cockayne syndrome classic form. Identifiers: Orphanet 191, Orphanet 90321, MedGen C0751039, MONDO:0019569, OMIM 216400.
Inborn genetic diseases. Identifiers: MedGen C0950123, MeSH D030342.

Allele frequency attached by ClinVar (database versions not stated): ExAC 0.00001; gnomAD 0.00001; TOPMed 0.00001; ESP Exome Variant Server 0.00008.
gnomAD v4.1: 5 of 1,613,600 alleles (0.00031%); highest among the groups gnomAD compares: Non-Finnish European, 0.00042%; no homozygotes.

Submissions (6):

Myriad Genetics, Inc.
Classification: Likely pathogenic for Cockayne syndrome type 1. Last evaluated: 2025-02-11. Review status: criteria provided, single submitter. Criteria: Myriad Autosomal Dominant, Autosomal Recessive and X-Linked Classification Criteria (2023). Collection method: clinical testing. Allele origin: unknown.
Comment: NM_000082.3(ERCC8):c.797A>G(D266G) is a missense variant classified as likely pathogenic in the context of ERCC8-related disorders. D266G has been observed in cases with relevant disease (PMID: 16865293, 19894250). Relevant functional assessments of this variant are available in the literature (PMID: 29531219). D266G has been observed in referenced population frequency databases. In summary, NM_000082.3(ERCC8):c.797A>G(D266G) is a missense variant that has both functional and internal structural support for pathogenicity and has been observed more frequently in cases with the relevant disease than in healthy populations. Please note: this variant was assessed in the context of healthy population screening.

Fulgent Genetics
Classification: Likely pathogenic for Cockayne syndrome type 1; UV-sensitive syndrome 2. Last evaluated: 2024-01-22. Review status: criteria provided, single submitter. Criteria: ACMG Guidelines, 2015. Collection method: clinical testing. Allele origin: germline.

Ambry Genetics
Classification: Pathogenic for Inborn genetic diseases. Last evaluated: 2015-12-14. Review status: criteria provided, single submitter. Criteria: Ambry exome assertion method (8-5-2015). Collection method: clinical testing. Allele origin: germline. Affected: yes. Observed: 1 variant allele.

Clinical Genetics DNA and cytogenetics Diagnostics Lab, Erasmus MC, Erasmus Medical Center
Classification: Likely pathogenic. Review status: no assertion criteria provided. Collection method: clinical testing. Allele origin: germline. Affected: yes. Study: VKGL Data-share Consensus. Not counted in ClinVar's aggregate classification.

Genome Diagnostics Laboratory, Amsterdam University Medical Center
Classification: Pathogenic. Review status: no assertion criteria provided. Collection method: clinical testing. Allele origin: germline. Affected: yes. Study: VKGL Data-share Consensus. Not counted in ClinVar's aggregate classification.

UniProtKB/Swiss-Prot
No classification provided. Review status: no classification provided. Collection method: not provided. Allele origin: not provided. Not counted in ClinVar's aggregate classification.

Literature cited by the submitters: PubMed 16865293 (cited by Myriad Genetics, Inc. and Ambry Genetics); PubMed 19894250 (cited by Myriad Genetics, Inc. and Ambry Genetics); PubMed 29531219 (cited by Myriad Genetics, Inc.); PubMed 11814058 (cited by Ambry Genetics).